The following is an entry in ClinVar:

NM_000256.3(MYBPC3):c.2995-5C>G

Gene: MYBPC3 (myosin binding protein C3; minus strand). Cytogenetic location: 11p11.2.
Variant type: single nucleotide variant.
Coding change: c.2995-5C>G on transcript NM_000256.3 (MANE Select); 5 bases into the intron before coding-DNA position 2995, C replaced by G.
Molecular consequence: intron variant.
Genome position (GRCh38, 1-based): chr11:47,333,757, G>C on the plus strand (C>G on the coding strand, the complement: MYBPC3 is on the minus strand). VCF-style: chr11-47333757-G-C. GRCh37 (hg19) VCF-style: chr11-47355308-G-C.
Identifiers: ClinVar variation 42673 (VCV000042673.19), dbSNP rs376083315, ClinGen allele CA013296.
Genomic context (GRCh38, chr11:47,333,757, plus strand): 5'-TCGCCTGCCAGGGGCTGCCCCTCTTTGGTCCAGGTCACCTGAGGCCGGGGCTTGCCCTGA[G>C]GGGAGGAAAAGCTTAACCCTGAACCTGGATCACTCCAAGGGCCGGCCGCCACCCCAGCCT-3'

ClinVar aggregate classification (germline): Conflicting classifications of pathogenicity. Review status: criteria provided, conflicting classifications (1 of 4 stars). 5 submissions from 5 submitters: Uncertain significance (3); Likely benign (2). Last evaluated 2025-01-07.

Conditions:
Cardiomyopathy (CMYO). Also called: Cardiomyopathies. Identifiers: Orphanet 167848, MedGen C0878544, MONDO:0004994, HP:0001638. Inheritance: Various modes of inheritance.
Hypertrophic cardiomyopathy. Also called: HYPERTROPHIC MYOCARDIOPATHY. Identifiers: Orphanet 217569, MedGen C0007194, MeSH D002312, MONDO:0005045, HP:0001639.

Allele frequency attached by ClinVar (database versions not stated): gnomAD 0.00001; TOPMed 0.00001; gnomAD exomes 0.00002 and 0.00004; ExAC 0.00006; 1000 Genomes Project 30x 0.00016.
gnomAD v4.1: 13 of 1,588,642 alleles (0.00082%); highest among the groups gnomAD compares: East Asian, 0.022%; no homozygotes.

Submissions (5):

Labcorp Genetics (formerly Invitae), Labcorp
Classification: Likely benign for Hypertrophic cardiomyopathy. Last evaluated: 2025-01-07. Review status: criteria provided, single submitter. Criteria: Invitae Variant Classification Sherloc (09022015). Collection method: clinical testing. Allele origin: germline.

All of Us Research Program, National Institutes of Health
Classification: Uncertain significance for Hypertrophic cardiomyopathy. Last evaluated: 2023-04-27. Review status: criteria provided, single submitter. Criteria: ACMG Guidelines, 2015. Collection method: clinical testing. Allele origin: germline. Inheritance: Autosomal dominant inheritance. Observed: 2 variant alleles, 2 heterozygotes.
Comment: This variant causes a C to G nucleotide substitution at the -5 position of intron 28 of the MYBPC3 gene. Splice site prediction tools are inconclusive regarding the impact of this variant on RNA splicing. To our knowledge, functional studies have not been reported for this variant. This variant has been reported in an individual affected with hypertrophic cardiomyopathy (PMID: 25611685). This variant has been identified in 8/226602 chromosomes in the general population by the Genome Aggregation Database (gnomAD). The available evidence is insufficient to determine the role of this variant in disease conclusively. Therefore, this variant is classified as a Variant of Uncertain Significance.

This study involves interpretation of variants in research participants for the purpose of population health screening. Participant phenotype was not available at the time of variant classification. Additional details can be found in publication PMID: 35346344, PMCID: PMC8962531

Color Diagnostics, LLC DBA Color Health
Classification: Uncertain significance for Cardiomyopathy. Last evaluated: 2022-10-11. Review status: criteria provided, single submitter. Criteria: ACMG Guidelines, 2015. Collection method: clinical testing. Allele origin: germline.
Comment: This variant causes a C to G nucleotide substitution at the -5 position of intron 28 of the MYBPC3 gene. Splice site prediction tools are inconclusive regarding the impact of this variant on RNA splicing. To our knowledge, functional studies have not been reported for this variant. This variant has been reported in an individual affected with hypertrophic cardiomyopathy (PMID: 25611685). This variant has been identified in 8/226602 chromosomes in the general population by the Genome Aggregation Database (gnomAD). The available evidence is insufficient to determine the role of this variant in disease conclusively. Therefore, this variant is classified as a Variant of Uncertain Significance.

GeneDx
Classification: Likely benign. Last evaluated: 2013-01-28. Review status: criteria provided, single submitter. Criteria: GeneDx Variant Classification (06012015). Collection method: clinical testing. Allele origin: germline. Affected: yes.
Comment: This variant is considered likely benign or benign based on one or more of the following criteria: it is a conservative change, it occurs at a poorly conserved position in the protein, it is predicted to be benign by multiple in silico algorithms, and/or has population frequency not consistent with disease.

Laboratory for Molecular Medicine, Mass General Brigham Personalized Medicine
Classification: Uncertain significance. Last evaluated: 2010-12-23. Review status: criteria provided, single submitter. Criteria: LMM Criteria. Collection method: clinical testing. Allele origin: germline. Observed: 3 variant alleles.
Comment: The 2995-5C>G variant has not been reported in the literature. This variant is l ocated in the 3? splice region but does not affect the highly conserved -1 and - 2 positions. However, positions -3 and -5 to -12 are part of the splicing consen sus sequence and variants involving these positions sometimes affect splicing. In the presence of another variant, the significance of the 2995-5 C>G variant cannot be determined without additional studies.

Literature cited by the submitters: PubMed 25611685 (cited by All of Us Research Program, National Institutes of Health and Color Diagnostics, LLC DBA Color Health).